The following is an entry in ClinVar:

ClinVar aggregate classification (germline): Likely pathogenic (1 of 4 stars; one submission).

Submission:

GeneDx
Classification: Likely pathogenic. Last evaluated: 2019-11-15. Review status: criteria provided, single submitter. Criteria: GeneDx Variant Classification Process June 2021. Collection method: clinical testing. Allele origin: germline. Affected: yes.
Comment: Frameshift variant in the C-terminus predicted to result in protein truncation, as the last 144 amino acids are lost and replaced with 34 incorrect amino acids, and other loss-offunction variants have been reported downstream in the Human Gene Mutation Database(Stenson et al., 2014); Not observed at a significant frequency in large population cohorts (Lek et al., 2016); Has not been previously published as pathogenic or benign to our knowledge

NM_001453.3(FOXC1):c.1229del (p.Gly410fs)

Gene: FOXC1 (forkhead box C1; plus strand). Cytogenetic location: 6p25.3.
Variant type: Deletion.
Coding change: c.1229del on transcript NM_001453.3 (MANE Select); coding-DNA position 1229, one base deleted (G; older notation c.1229delG).
Protein change: p.Gly410fs; shifts the reading frame from glycine 410.
Molecular consequence: frameshift variant.
Genome position (GRCh38, 1-based): chr6:1,611,674, G deleted; the last of 5 consecutive G bases (chr6:1,611,670-1,611,674); deleting any one gives the same sequence. VCF-style (leftmost placement, unchanged base first): chr6-1611669-CG-C. GRCh37 (hg19) VCF-style: chr6-1611904-CG-C.
Other names: c.1229delG (NM_001453.2); short protein forms G410fs.
Identifiers: ClinVar variation 524031 (VCV000524031.3), dbSNP rs1554101076, ClinGen allele CA565356206.